The following is an entry in ClinVar:

ClinVar aggregate classification (germline): Uncertain significance. Review status: criteria provided, multiple submitters, no conflicts (2 of 4 stars). 2 submissions from 2 submitters: Uncertain significance (2). Last evaluated 2024-07-10.

Conditions:
RYR1-related disorder. Also called: RYR1-related condition; RYR1-related disorders. Identifiers: MedGen CN239331.
Malignant hyperthermia, susceptibility to, 1 (MHS1). Also called: Malignant hyperthermia suceptibility 1; Anesthesia related hyperthermia; Malignant hyperpyrexia; Fulminating hyperpyrexia; Pharmacogenic myopathy; RYR1-Related Malignant Hyperthermia Susceptibility. Identifiers: Orphanet 423, MedGen C2930980, MONDO:0007783, OMIM 145600.

Submissions (2):

All of Us Research Program, National Institutes of Health
Classification: Uncertain significance for Malignant hyperthermia, susceptibility to, 1. Last evaluated: 2024-07-10. Review status: criteria provided, single submitter. Criteria: ACMG Guidelines, 2015. Collection method: clinical testing. Allele origin: germline. Inheritance: Autosomal dominant inheritance. Observed: 1 variant allele, 1 heterozygote.
Comment: This variant results in the deletion of a single amino acid at codon 899 in the RYR1 protein. To our knowledge, functional studies have not been reported for this variant. This variant has not been reported in individuals affected with RYR1-related disorders in the literature. This variant has been identified in 2/251486 chromosomes in the general population by the Genome Aggregation Database (gnomAD). The available evidence is insufficient to determine the role of this variant in disease conclusively. Therefore, this variant is classified as a Variant of Uncertain Significance.

This study involves interpretation of variants in research participants for the purpose of population health screening. Participant phenotype was not available at the time of variant classification. Additional details can be found in publication PMID: 35346344, PMCID: PMC8962531

Labcorp Genetics (formerly Invitae), Labcorp
Classification: Uncertain significance for RYR1-related disorder. Last evaluated: 2024-01-08. Review status: criteria provided, single submitter. Criteria: Invitae Variant Classification Sherloc (09022015). Collection method: clinical testing. Allele origin: germline.
Comment: This variant, c.2697_2699del, results in the deletion of 1 amino acid(s) of the RYR1 protein (p.Asn899del), but otherwise preserves the integrity of the reading frame. This variant is present in population databases (rs778066175, gnomAD 0.01%). This variant has not been reported in the literature in individuals affected with RYR1-related conditions. Experimental studies and prediction algorithms are not available or were not evaluated, and the functional significance of this variant is currently unknown. In summary, the available evidence is currently insufficient to determine the role of this variant in disease. Therefore, it has been classified as a Variant of Uncertain Significance.

NM_000540.3(RYR1):c.2694CAA[1] (p.Asn899del)

Gene: RYR1 (ryanodine receptor 1; plus strand). Cytogenetic location: 19q13.2.
Variant type: Microsatellite.
Coding change: c.2694CAA[1] on transcript NM_000540.3 (MANE Select); one copy of the 3-base unit CAA starting at c.2694; the reference has two copies in a row; one copy, 3 bases deleted.
Protein change: p.Asn899del; deletes asparagine 899.
Molecular consequence: inframe deletion.
Genome position (GRCh38, 1-based): chr19:38,463,761-38,463,763, CAA deleted; deleting any 3 consecutive bases within chr19:38,463,757-38,463,763 gives the same sequence; the position shown is the placement nearest the transcript's 3' end. VCF-style (leftmost placement, unchanged base first): chr19-38463756-GACA-G. GRCh37 (hg19) VCF-style: chr19-38954396-GACA-G.
Other names: c.2694CAA[1], p.Asn899del (NM_001042723.2); short protein forms N899del.
Identifiers: ClinVar variation 2901682 (VCV002901682.4), dbSNP rs778066175, ClinGen allele CA063794.